The following is an entry in ClinVar:

NM_002187.3(IL12B):c.697+5G>A

Gene: IL12B (interleukin 12B; minus strand). Cytogenetic location: 5q33.3.
Variant type: single nucleotide variant.
Coding change: c.697+5G>A on transcript NM_002187.3 (MANE Select); 5 bases into the intron after coding-DNA position 697, G replaced by A.
Molecular consequence: intron variant.
Genome position (GRCh38, 1-based): chr5:159,320,301, C>T on the plus strand (G>A on the coding strand, the complement: IL12B is on the minus strand). VCF-style: chr5-159320301-C-T. GRCh37 (hg19) VCF-style: chr5-158747309-C-T.
Identifiers: ClinVar variation 1366710 (VCV001366710.6), dbSNP rs2113025865, ClinGen allele CA2573139335.

ClinVar aggregate classification (germline): Likely pathogenic (1 of 4 stars; one submission).

Conditions:
Mendelian susceptibility to mycobacterial diseases due to complete IL12B deficiency. Also called: IL12B DEFICIENCY; Immunodeficiency 29. Identifiers: Orphanet 319558, MedGen C4013948, MONDO:0013954, OMIM 614890.

Allele frequency attached by ClinVar (database versions not stated): gnomAD exomes below 0.00001.
gnomAD v4.1: 1 of 1,613,118 alleles (0.000062%); highest among the groups gnomAD compares: South Asian, 0.0011%; no homozygotes.

Submission:

Labcorp Genetics (formerly Invitae), Labcorp
Classification: Likely pathogenic for Mendelian susceptibility to mycobacterial diseases due to complete IL12B deficiency. Last evaluated: 2024-02-24. Review status: criteria provided, single submitter. Criteria: Invitae Variant Classification Sherloc (09022015). Collection method: clinical testing. Allele origin: germline.
Comment: This sequence change falls in intron 5 of the IL12B gene. It does not directly change the encoded amino acid sequence of the IL12B protein. It affects a nucleotide within the consensus splice site. This variant is not present in population databases (gnomAD no frequency). This variant has been observed in individual(s) with clinical features of Mendelian susceptibility to mycobacterial disease (PMID: 23429356; Invitae). ClinVar contains an entry for this variant (Variation ID: 1366710). Variants that disrupt the consensus splice site are a relatively common cause of aberrant splicing (PMID: 17576681, 9536098). Algorithms developed to predict the effect of sequence changes on RNA splicing suggest that this variant may disrupt the consensus splice site. In summary, the currently available evidence indicates that the variant is pathogenic, but additional data are needed to prove that conclusively. Therefore, this variant has been classified as Likely Pathogenic.

Literature cited by the submitters: PubMed 23429356; PubMed 17576681; PubMed 9536098.